The following is an entry in ClinVar:

NM_013451.4(MYOF):c.5271+9C>T

Gene: MYOF (myoferlin; minus strand). Cytogenetic location: 10q23.33.
Variant type: single nucleotide variant.
Coding change: c.5271+9C>T on transcript NM_013451.4 (MANE Select); 9 bases into the intron after coding-DNA position 5271, C replaced by T.
Molecular consequence: intron variant.
Genome position (GRCh38, 1-based): chr10:93,325,817, G>A on the plus strand (C>T on the coding strand, the complement: MYOF is on the minus strand). VCF-style: chr10-93325817-G-A. GRCh37 (hg19) VCF-style: chr10-95085574-G-A.
Other names: c.5232+9C>T (NM_133337.3).
Identifiers: ClinVar variation 789894 (VCV000789894.6), dbSNP rs139828446, ClinGen allele CA5606763.

ClinVar aggregate classification (germline): Benign. Review status: criteria provided, multiple submitters, no conflicts (2 of 4 stars). 3 submissions from 3 submitters: Benign (2). 1 of the submissions does not count toward it. Last evaluated 2018-03-30.

Conditions:
MYOF-related disorder. Also called: MYOF-related condition.

Allele frequency attached by ClinVar (database versions not stated): 1000 Genomes Project 30x 0.00500; 1000 Genomes Project 0.00519; TOPMed 0.00650; ESP Exome Variant Server 0.00688.
gnomAD v4.1: 13,978 of 1,609,278 alleles (0.87%); highest among the groups gnomAD compares: Middle Eastern, 1.4%; 96 homozygotes.

Submissions (3):

Labcorp Genetics (formerly Invitae), Labcorp
Classification: Benign. Last evaluated: 2018-03-30. Review status: criteria provided, single submitter. Criteria: Invitae Variant Classification Sherloc (09022015). Collection method: clinical testing. Allele origin: germline.

Breakthrough Genomics
Classification: Benign. Review status: criteria provided, single submitter. Criteria: ACMG Guidelines, 2015. Collection method: not provided. Allele origin: germline. Inheritance: Autosomal dominant inheritance. Affected: yes.

PreventionGenetics, part of Exact Sciences
Classification: Benign for MYOF-related condition. Last evaluated: 2019-06-11. Review status: no assertion criteria provided. Collection method: clinical testing. Allele origin: germline. Not counted in ClinVar's aggregate classification.
Comment: This variant is classified as benign based on ACMG/AMP sequence variant interpretation guidelines (Richards et al. 2015 PMID: 25741868, with internal and published modifications).